The following is an entry in ClinVar:

NM_000059.4(BRCA2):c.7375A>G (p.Lys2459Glu)

Gene: BRCA2 (BRCA2 DNA repair associated; plus strand). Cytogenetic location: 13q13.1.
Variant type: single nucleotide variant.
Coding change: c.7375A>G on transcript NM_000059.4 (MANE Select); coding-DNA position 7375, A replaced by G.
Protein change: p.Lys2459Glu; replaces lysine 2459 with glutamic acid.
Molecular consequence: missense variant.
Genome position (GRCh38, 1-based): chr13:32,355,228, A>G. VCF-style: chr13-32355228-A-G. GRCh37 (hg19) VCF-style: chr13-32929365-A-G.
Other names: short protein forms K2459E.
Identifiers: ClinVar variation 826998 (VCV000826998.6), dbSNP rs397507913, ClinGen allele CA387741629.

ClinVar aggregate classification (germline): Uncertain significance. Review status: criteria provided, multiple submitters, no conflicts (2 of 4 stars). 2 submissions from 2 submitters: Uncertain significance (2). Last evaluated 2025-02-26.

Conditions:
Hereditary cancer-predisposing syndrome. Also called: Neoplastic Syndromes, Hereditary; Tumor predisposition; Hereditary neoplastic syndrome; Hereditary Cancer Syndrome. Identifiers: Orphanet 140162, MedGen C0027672, MeSH D009386, MONDO:0015356.
Hereditary cancer. Identifiers: MedGen C1333600.

Submissions (2):

Mendelics
Classification: Uncertain significance for Hereditary cancer. Last evaluated: 2025-02-26. Review status: criteria provided, single submitter. Criteria: ACMG Guidelines, 2015. Collection method: clinical testing. Allele origin: unknown.
Comment: The available evidence is insufficient to conclusively determine the role of this variant. Therefore, it is classified as a Variant of Uncertain Significance.

Ambry Genetics
Classification: Uncertain significance for Hereditary cancer-predisposing syndrome. Last evaluated: 2023-05-05. Review status: criteria provided, single submitter. Criteria: Ambry Variant Classification Scheme 2023. Collection method: clinical testing. Allele origin: germline.
Comment: The p.K2459E variant (also known as c.7375A>G), located in coding exon 13 of the BRCA2 gene, results from an A to G substitution at nucleotide position 7375. The lysine at codon 2459 is replaced by glutamic acid, an amino acid with similar properties. This amino acid position is well conserved in available vertebrate species. In addition, this alteration is predicted to be tolerated by in silico analysis. Since supporting evidence is limited at this time, the clinical significance of this alteration remains unclear.

Literature cited by the submitters: PubMed 29596542 (cited by Ambry Genetics).